The following is an entry in ClinVar:

NM_000812.4(GABRB1):c.913G>A (p.Ala305Thr)

Gene: GABRB1 (gamma-aminobutyric acid type A receptor subunit beta1; plus strand). Cytogenetic location: 4p12.
Variant type: single nucleotide variant.
Coding change: c.913G>A on transcript NM_000812.4 (MANE Select); coding-DNA position 913, G replaced by A.
Protein change: p.Ala305Thr; replaces alanine 305 with threonine.
Molecular consequence: missense variant.
Genome position (GRCh38, 1-based): chr4:47,406,759, G>A. VCF-style: chr4-47406759-G-A. GRCh37 (hg19) VCF-style: chr4-47408776-G-A.
Other names: short protein forms A305T.
Identifiers: ClinVar variation 2827626 (VCV002827626.3), dbSNP rs2475468446, ClinGen allele CA356811446.

ClinVar aggregate classification (germline): Uncertain significance (1 of 4 stars; one submission).

Submission:

Labcorp Genetics (formerly Invitae), Labcorp
Classification: Uncertain significance. Last evaluated: 2023-01-10. Review status: criteria provided, single submitter. Criteria: Invitae Variant Classification Sherloc (09022015). Collection method: clinical testing. Allele origin: germline.
Comment: In summary, the available evidence is currently insufficient to determine the role of this variant in disease. Therefore, it has been classified as a Variant of Uncertain Significance. Advanced modeling of protein sequence and biophysical properties (such as structural, functional, and spatial information, amino acid conservation, physicochemical variation, residue mobility, and thermodynamic stability) performed at Invitae indicates that this missense variant is not expected to disrupt GABRB1 protein function. This variant has not been reported in the literature in individuals affected with GABRB1-related conditions. This variant is not present in population databases (gnomAD no frequency). This sequence change replaces alanine, which is neutral and non-polar, with threonine, which is neutral and polar, at codon 305 of the GABRB1 protein (p.Ala305Thr).